The following is an entry in ClinVar:

ClinVar aggregate classification (germline): Uncertain significance. Review status: criteria provided, multiple submitters, no conflicts (2 of 4 stars). 2 submissions from 2 submitters: Uncertain significance (2). Last evaluated 2024-11-03.

Conditions:
Hereditary cancer-predisposing syndrome. Also called: Hereditary Cancer Syndrome; Hereditary neoplastic syndrome; Tumor predisposition; Neoplastic Syndromes, Hereditary. Identifiers: Orphanet 140162, MedGen C0027672, MeSH D009386, MONDO:0015356.
Cardiovascular phenotype. Identifiers: MedGen CN230736.

Allele frequency attached by ClinVar (database versions not stated): gnomAD exomes below 0.00001; ExAC 0.00001.

Submissions (2):

Labcorp Genetics (formerly Invitae), Labcorp
Classification: Uncertain significance. Last evaluated: 2024-11-03. Review status: criteria provided, single submitter. Criteria: Invitae Variant Classification Sherloc (09022015). Collection method: clinical testing. Allele origin: germline.
Comment: This sequence change replaces cysteine, which is neutral and slightly polar, with tyrosine, which is neutral and polar, at codon 792 of the LZTR1 protein (p.Cys792Tyr). This variant is present in population databases (rs748026648, gnomAD 0.003%). This variant has not been reported in the literature in individuals affected with LZTR1-related conditions. ClinVar contains an entry for this variant (Variation ID: 1790349). Invitae Evidence Modeling of protein sequence and biophysical properties (such as structural, functional, and spatial information, amino acid conservation, physicochemical variation, residue mobility, and thermodynamic stability) indicates that this missense variant is not expected to disrupt LZTR1 protein function with a negative predictive value of 80%. In summary, the available evidence is currently insufficient to determine the role of this variant in disease. Therefore, it has been classified as a Variant of Uncertain Significance.

Ambry Genetics
Classification: Uncertain significance for Cardiovascular phenotype; Hereditary cancer-predisposing syndrome. Last evaluated: 2023-11-14. Review status: criteria provided, single submitter. Criteria: Ambry Variant Classification Scheme 2023. Collection method: clinical testing. Allele origin: germline.
Comment: The p.C792Y variant (also known as c.2375G>A), located in coding exon 20 of the LZTR1 gene, results from a G to A substitution at nucleotide position 2375. The cysteine at codon 792 is replaced by tyrosine, an amino acid with highly dissimilar properties. This amino acid position is highly conserved in available vertebrate species. In addition, this alteration is predicted to be deleterious by in silico analysis. Since supporting evidence is limited at this time, the clinical significance of this alteration remains unclear.

NM_006767.4(LZTR1):c.2375G>A (p.Cys792Tyr)

Gene: LZTR1 (leucine zipper like post translational regulator 1; plus strand). Cytogenetic location: 22q11.21.
Variant type: single nucleotide variant.
Coding change: c.2375G>A on transcript NM_006767.4 (MANE Select); coding-DNA position 2375, G replaced by A.
Protein change: p.Cys792Tyr; replaces cysteine 792 with tyrosine.
Molecular consequence: missense variant.
Genome position (GRCh38, 1-based): chr22:20,996,935, G>A. VCF-style: chr22-20996935-G-A. GRCh37 (hg19) VCF-style: chr22-21351224-G-A.
Other names: short protein forms C792Y.
Identifiers: ClinVar variation 1790349 (VCV001790349.7), dbSNP rs748026648, ClinGen allele CA10119381.